The following is an entry in ClinVar:

NM_018006.5(TRMU):c.772+83T>C

Gene: TRMU (tRNA mitochondrial 2-thiouridylase; plus strand). Cytogenetic location: 22q13.31.
Variant type: single nucleotide variant.
Coding change: c.772+83T>C on transcript NM_018006.5 (MANE Select); 83 bases into the intron after coding-DNA position 772, T replaced by C.
Molecular consequence: intron variant.
Genome position (GRCh38, 1-based): chr22:46,352,413, T>C. VCF-style: chr22-46352413-T-C. GRCh37 (hg19) VCF-style: chr22-46748310-T-C.
Other names: c.772+83T>C (NM_001282785.2); c.430+83T>C (NM_001282782.2); c.352+83T>C (NM_001282783.2, NM_001282784.2).
Identifiers: ClinVar variation 671698 (VCV000671698.2), dbSNP rs6008770, ClinGen allele CA14944447.

ClinVar aggregate classification (germline): Benign. Review status: criteria provided, multiple submitters, no conflicts (2 of 4 stars). 2 submissions from 2 submitters: Benign (2). Last evaluated 2018-06-19.

Allele frequency attached by ClinVar (database versions not stated): gnomAD exomes 0.13283; 1000 Genomes Project 0.23902; 1000 Genomes Project 30x 0.25047; gnomAD 0.25192 and 0.26525; TOPMed 0.26096.
gnomAD v4.1: 220,054 of 1,516,014 alleles (15%); highest among the groups gnomAD compares: African/African-American, 59%; 24,833 homozygotes.

Submissions (2):

GeneDx
Classification: Benign. Last evaluated: 2018-06-19. Review status: criteria provided, single submitter. Criteria: GeneDx Variant Classification (06012015). Collection method: clinical testing. Allele origin: germline. Affected: yes.
Comment: This variant is considered likely benign or benign based on one or more of the following criteria: it is a conservative change, it occurs at a poorly conserved position in the protein, it is predicted to be benign by multiple in silico algorithms, and/or has population frequency not consistent with disease.

Breakthrough Genomics
Classification: Benign. Review status: criteria provided, single submitter. Criteria: ACMG Guidelines, 2015. Collection method: not provided. Allele origin: germline. Inheritance: Unknown mechanism. Affected: yes.